The following is an entry in ClinVar:

ClinVar aggregate classification (germline): Uncertain significance (1 of 4 stars; one submission).

Conditions:
Inborn genetic diseases. Identifiers: MedGen C0950123, MeSH D030342.

Submission:

Ambry Genetics
Classification: Uncertain significance for Inborn genetic diseases. Last evaluated: 2025-01-20. Review status: criteria provided, single submitter. Criteria: Ambry Variant Classification Scheme 2023. Collection method: clinical testing. Allele origin: germline.
Comment: The p.P929S variant (also known as c.2785C>T), located in coding exon 1 of the SAMD9 gene, results from a C to T substitution at nucleotide position 2785. The proline at codon 929 is replaced by serine, an amino acid with similar properties. This amino acid position is conserved. In addition, this alteration is predicted to be tolerated by in silico analysis. Based on the available evidence, the clinical significance of this variant remains unclear.

NM_017654.4(SAMD9):c.2785C>T (p.Pro929Ser)

Gene: SAMD9 (sterile alpha motif domain containing 9; minus strand). Cytogenetic location: 7q21.2.
Variant type: single nucleotide variant.
Coding change: c.2785C>T on transcript NM_017654.4 (MANE Select); coding-DNA position 2785, C replaced by T.
Protein change: p.Pro929Ser; replaces proline 929 with serine.
Molecular consequence: missense variant.
Genome position (GRCh38, 1-based): chr7:93,103,313, G>A on the plus strand (C>T on the coding strand, the complement: SAMD9 is on the minus strand). VCF-style: chr7-93103313-G-A. GRCh37 (hg19) VCF-style: chr7-92732626-G-A.
Other names: c.2785C>T, p.Pro929Ser (NM_001193307.2); short protein forms P929S.
Identifiers: ClinVar variation 3792012 (VCV003792012.1).